The following is an entry in ClinVar:

ClinVar aggregate classification (germline): Conflicting classifications of pathogenicity. Review status: criteria provided, conflicting classifications (1 of 4 stars). 3 submissions from 3 submitters: Uncertain significance (2); Benign (1). Last evaluated 2024-11-09.

Conditions:
Inborn genetic diseases. Identifiers: MedGen C0950123, MeSH D030342.
Amyotrophic lateral sclerosis type 4 (ALS4). Also called: NEURONOPATHY, DISTAL HEREDITARY MOTOR, WITH PYRAMIDAL FEATURES; AMYOTROPHIC LATERAL SCLEROSIS 4, JUVENILE. Identifiers: Orphanet 357043, MedGen C1865409, MONDO:0011223, OMIM 602433.
Spinocerebellar ataxia, autosomal recessive, with axonal neuropathy 2 (SCAN2). Also called: ATAXIA-OCULOMOTOR APRAXIA 2; Ataxia with Oculomotor Apraxia Type 2; Ataxia with Oculomotor Apraxia; Ataxia-ocular apraxia-2. Identifiers: Orphanet 64753, MedGen C1853761, MONDO:0018996, OMIM 606002.

Allele frequency attached by ClinVar (database versions not stated): ExAC 0.00002; gnomAD 0.00002; TOPMed 0.00003; gnomAD exomes 0.00004 and 0.00011; ESP Exome Variant Server 0.00015.
gnomAD v4.1: 158 of 1,613,562 alleles (0.0098%); highest among the groups gnomAD compares: Non-Finnish European, 0.013%; no homozygotes.

Submissions (3):

Ambry Genetics
Classification: Uncertain significance for Inborn genetic diseases. Last evaluated: 2024-11-09. Review status: criteria provided, single submitter. Criteria: Ambry Variant Classification Scheme 2023. Collection method: clinical testing. Allele origin: germline.

Athena Diagnostics
Classification: Uncertain significance. Last evaluated: 2024-02-13. Review status: criteria provided, single submitter. Criteria: Athena Diagnostics Criteria. Collection method: clinical testing. Allele origin: unknown.
Comment: Available data are insufficient to determine the clinical significance of the variant at this time. The frequency of this variant in the general population is uninformative in assessment of its pathogenicity. Computational tools predict that this variant is not damaging.

Labcorp Genetics (formerly Invitae), Labcorp
Classification: Benign for Amyotrophic lateral sclerosis type 4; Spinocerebellar ataxia, autosomal recessive, with axonal neuropathy 2. Last evaluated: 2023-08-10. Review status: criteria provided, single submitter. Criteria: Invitae Variant Classification Sherloc (09022015). Collection method: clinical testing. Allele origin: germline.

NM_015046.7(SETX):c.2395C>T (p.His799Tyr)

Gene: SETX (senataxin; minus strand). Cytogenetic location: 9q34.13.
Variant type: single nucleotide variant.
Coding change: c.2395C>T on transcript NM_015046.7 (MANE Select); coding-DNA position 2395, C replaced by T.
Protein change: p.His799Tyr; replaces histidine 799 with tyrosine.
Molecular consequence: missense variant.
Genome position (GRCh38, 1-based): chr9:132,329,203, G>A on the plus strand (C>T on the coding strand, the complement: SETX is on the minus strand). VCF-style: chr9-132329203-G-A. GRCh37 (hg19) VCF-style: chr9-135204590-G-A.
Other names: c.2395C>T, p.His799Tyr (NM_001351527.2, NM_001351528.2); short protein forms H799Y.
Identifiers: ClinVar variation 448313 (VCV000448313.11), dbSNP rs200459144, ClinGen allele CA5297604.